The following is an entry in ClinVar:

NM_003923.3(FOXH1):c.565A>G (p.Ser189Gly)

Gene: FOXH1 (forkhead box H1; minus strand). Cytogenetic location: 8q24.3.
Variant type: single nucleotide variant.
Coding change: c.565A>G on transcript NM_003923.3 (MANE Select); coding-DNA position 565, A replaced by G.
Protein change: p.Ser189Gly; replaces serine 189 with glycine.
Molecular consequence: missense variant.
Genome position (GRCh38, 1-based): chr8:144,474,771, T>C on the plus strand (A>G on the coding strand, the complement: FOXH1 is on the minus strand). VCF-style: chr8-144474771-T-C. GRCh37 (hg19) VCF-style: chr8-145700154-T-C.
Other names: short protein forms S189G.
Identifiers: ClinVar variation 4026331 (VCV004026331.2).
Genomic context (GRCh38, chr8:144,474,771, plus strand): 5'-GGGGTGGGGTGGGCACCGCCTCCTCCCCACTGTTCCCTGTGCCTGCAGGAACTGGGCTGC[T>C]CTGTGGAGCTAGCCCCGGCCAGGGTGCCCCCTCCCCGGACCCTCCTAGCAGGGACTTGAT-3'
Protein context (NP_003914.1, residues 179-199): GAPWPGLAPQ[Ser189Gly]SPVPAGTGNS

ClinVar aggregate classification (germline): Uncertain significance. Review status: criteria provided, multiple submitters, no conflicts (2 of 4 stars). 2 submissions from 2 submitters: Uncertain significance (2). Last evaluated 2025-05-07.

Conditions:
Inborn genetic diseases. Identifiers: MedGen C0950123, MeSH D030342.

Submissions (2):

Ambry Genetics
Classification: Uncertain significance for Inborn genetic diseases. Last evaluated: 2025-05-07. Review status: criteria provided, single submitter. Criteria: Ambry Variant Classification Scheme 2023. Collection method: clinical testing. Allele origin: germline.

GeneDx
Classification: Uncertain significance. Last evaluated: 2025-03-07. Review status: criteria provided, single submitter. Criteria: GeneDx Variant Classification Process June 2021. Collection method: clinical testing. Allele origin: germline. Affected: yes.
Comment: In silico analysis indicates that this missense variant does not alter protein structure/function; Has not been previously published as pathogenic or benign to our knowledge